The following is an entry in ClinVar:

ClinVar aggregate classification (germline): Likely benign (0 of 4 stars; one submission).

Conditions:
DCHS1-related disorder. Also called: DCHS1-related condition.

Submission:

PreventionGenetics, part of Exact Sciences
Classification: Likely benign for DCHS1-related condition. Last evaluated: 2020-10-14. Review status: no assertion criteria provided. Collection method: clinical testing. Allele origin: germline.
Comment: This variant is classified as likely benign based on ACMG/AMP sequence variant interpretation guidelines (Richards et al. 2015 PMID: 25741868, with internal and published modifications).

NM_003737.4(DCHS1):c.111G>A (p.Val37=)

Gene: DCHS1 (dachsous cadherin-related 1; minus strand). Cytogenetic location: 11p15.4.
Variant type: single nucleotide variant.
Coding change: c.111G>A on transcript NM_003737.4 (MANE Select); coding-DNA position 111, G replaced by A.
Protein change: p.Val37=; no amino-acid change (valine 37 retained).
Molecular consequence: synonymous variant.
Genome position (GRCh38, 1-based): chr11:6,641,503, C>T on the plus strand (G>A on the coding strand, the complement: DCHS1 is on the minus strand). VCF-style: chr11-6641503-C-T. GRCh37 (hg19) VCF-style: chr11-6662734-C-T.
Identifiers: ClinVar variation 3032869 (VCV003032869.2), dbSNP rs1271964765, ClinGen allele CA472936882.
Genomic context (GRCh38, chr11:6,641,503, plus strand): 5'-CGCTGGCTGCTCCTCATCAATCTGCAAGTCCAGGCTCCCAGCCTGACCCCAGGCACCTGG[C>T]ACCCCAGCCCCCAGCAGCAGCAGCAGCAGCAGCAGCAATGGTAGCAGGAGGTGGGGCCTG-3'
Protein context (NP_003728.1, residues 27-47): LLLLLLLGAG[Val37=]PGAWGQAGSL